The following is an entry in ClinVar:

NM_005869.4(CWC27):c.669+10A>G

Gene: CWC27 (CWC27 spliceosome associated cyclophilin; plus strand). Cytogenetic location: 5q12.3.
Variant type: single nucleotide variant.
Coding change: c.669+10A>G on transcript NM_005869.4 (MANE Select); 10 bases into the intron after coding-DNA position 669, A replaced by G.
Molecular consequence: intron variant.
Genome position (GRCh38, 1-based): chr5:64,789,030, A>G. VCF-style: chr5-64789030-A-G. GRCh37 (hg19) VCF-style: chr5-64084857-A-G.
Other names: c.669+10A>G (NM_001297644.1, NM_001364478.1, NM_001318000.2 and 2 more transcripts).
Identifiers: ClinVar variation 1156879 (VCV001156879.11), dbSNP rs760618747, ClinGen allele CA3282032.

ClinVar aggregate classification (germline): Likely benign. Review status: criteria provided, multiple submitters, no conflicts (2 of 4 stars). 3 submissions from 3 submitters: Likely benign (3). Last evaluated 2025-12-16.

Conditions:
CWC27-related disorder. Also called: CWC27-related condition.

Allele frequency attached by ClinVar (database versions not stated): gnomAD 0.00001; ExAC 0.00003; gnomAD exomes 0.00005.
gnomAD v4.1: 71 of 1,591,234 alleles (0.0045%); highest among the groups gnomAD compares: Middle Eastern, 0.82%; 2 homozygotes.

Submissions (3):

Labcorp Genetics (formerly Invitae), Labcorp
Classification: Likely benign. Last evaluated: 2025-12-16. Review status: criteria provided, single submitter. Criteria: Invitae Variant Classification Sherloc (09022015). Collection method: clinical testing. Allele origin: germline.

PreventionGenetics, part of Exact Sciences
Classification: Likely benign for CWC27-related condition. Last evaluated: 2024-12-12. Review status: criteria provided, single submitter. Criteria: ACMG Guidelines, 2015. Collection method: clinical testing. Allele origin: germline.
Comment: This variant is classified as likely benign based on ACMG/AMP sequence variant interpretation guidelines (Richards et al. 2015 PMID: 25741868, with internal and published modifications).

Blueprint Genetics
Classification: Likely benign. Last evaluated: 2023-05-31. Review status: criteria provided, single submitter. Criteria: ACMG Guidelines, 2015. Collection method: clinical testing. Allele origin: germline.